The following is an entry in ClinVar:

ClinVar aggregate classification (germline): Uncertain significance (1 of 4 stars; one submission).

Conditions:
Peroxisome biogenesis disorder 3A (Zellweger). Also called: PEROXISOMAL BIOGENESIS DISORDER 3A (ZELLWEGER); Peroxisome biogenesis disorder 3A. Identifiers: Orphanet 912, MedGen C3553929, MONDO:0013927, OMIM 614859.

Allele frequency attached by ClinVar (database versions not stated): gnomAD 0.00001; gnomAD exomes 0.00001; ExAC 0.00005.

Submission:

Labcorp Genetics (formerly Invitae), Labcorp
Classification: Uncertain significance for Peroxisome biogenesis disorder 3A (Zellweger). Last evaluated: 2022-08-22. Review status: criteria provided, single submitter. Criteria: Invitae Variant Classification Sherloc (09022015). Collection method: clinical testing. Allele origin: germline.
Comment: This sequence change replaces leucine, which is neutral and non-polar, with phenylalanine, which is neutral and non-polar, at codon 179 of the PEX12 protein (p.Leu179Phe). This variant is present in population databases (rs762603832, gnomAD 0.03%). This variant has not been reported in the literature in individuals affected with PEX12-related conditions. Algorithms developed to predict the effect of missense changes on protein structure and function are either unavailable or do not agree on the potential impact of this missense change (SIFT: "Tolerated"; PolyPhen-2: "Probably Damaging"; Align-GVGD: "Class C0"). In summary, the available evidence is currently insufficient to determine the role of this variant in disease. Therefore, it has been classified as a Variant of Uncertain Significance.

NM_000286.3(PEX12):c.535C>T (p.Leu179Phe)

Gene: PEX12 (peroxisomal biogenesis factor 12; minus strand). Cytogenetic location: 17q12.
Variant type: single nucleotide variant.
Coding change: c.535C>T on transcript NM_000286.3 (MANE Select); coding-DNA position 535, C replaced by T.
Protein change: p.Leu179Phe; replaces leucine 179 with phenylalanine.
Molecular consequence: missense variant.
Genome position (GRCh38, 1-based): chr17:35,577,183, G>A on the plus strand (C>T on the coding strand, the complement: PEX12 is on the minus strand). VCF-style: chr17-35577183-G-A. GRCh37 (hg19) VCF-style: chr17-33904202-G-A.
Other names: short protein forms L179F.
Identifiers: ClinVar variation 2199763 (VCV002199763.1), dbSNP rs762603832, ClinGen allele CA8504897.